The following is an entry in ClinVar:

NM_003737.4(DCHS1):c.6074C>G (p.Ser2025Cys)

Gene: DCHS1 (dachsous cadherin-related 1; minus strand). Cytogenetic location: 11p15.4.
Variant type: single nucleotide variant.
Coding change: c.6074C>G on transcript NM_003737.4 (MANE Select); coding-DNA position 6074, C replaced by G.
Protein change: p.Ser2025Cys; replaces serine 2025 with cysteine.
Molecular consequence: missense variant.
Genome position (GRCh38, 1-based): chr11:6,626,965, G>C on the plus strand (C>G on the coding strand, the complement: DCHS1 is on the minus strand). VCF-style: chr11-6626965-G-C. GRCh37 (hg19) VCF-style: chr11-6648196-G-C.
Other names: short protein forms S2025C.
Identifiers: ClinVar variation 2574512 (VCV002574512.1), dbSNP rs1352438833, ClinGen allele CA379389474.

ClinVar aggregate classification (germline): Uncertain significance (1 of 4 stars; one submission).

Allele frequency attached by ClinVar (database versions not stated): TOPMed 0.00001; gnomAD exomes 0.00002.
gnomAD v4.1: 25 of 1,613,760 alleles (0.0015%); highest among the groups gnomAD compares: Non-Finnish European, 0.0021%; no homozygotes.

Submission:

GeneDx
Classification: Uncertain significance. Last evaluated: 2023-01-30. Review status: criteria provided, single submitter. Criteria: GeneDx Variant Classification Process June 2021. Collection method: clinical testing. Allele origin: germline. Affected: yes.
Comment: Not observed at significant frequency in large population cohorts (gnomAD); In silico analysis supports that this missense variant has a deleterious effect on protein structure/function; Has not been previously published as pathogenic or benign to our knowledge